The following is an entry in ClinVar:

ClinVar aggregate classification (germline): Uncertain significance (1 of 4 stars; one submission).

Conditions:
Anauxetic dysplasia. Identifiers: Orphanet 93347, MedGen C1846796, MONDO:0011773.

Allele frequency attached by ClinVar (database versions not stated): gnomAD exomes below 0.00001.

Submission:

Labcorp Genetics (formerly Invitae), Labcorp
Classification: Uncertain significance for Anauxetic dysplasia. Last evaluated: 2023-09-29. Review status: criteria provided, single submitter. Criteria: Invitae Variant Classification Sherloc (09022015). Collection method: clinical testing. Allele origin: germline.
Comment: This variant is not present in population databases (gnomAD no frequency). This variant has been observed in individual(s) with clinical features of cartilage-hair hypoplasia (Invitae). In at least one individual the data is consistent with being in trans (on the opposite chromosome) from a pathogenic variant. In summary, the available evidence is currently insufficient to determine the role of this variant in disease. Therefore, it has been classified as a Variant of Uncertain Significance. This variant occurs in the RMRP gene, which encodes an RNA molecule that does not result in a protein product.

NR_003051.4(RMRP):n.99dup

Gene: RMRP (RNA component of mitochondrial RNA processing endoribonuclease; minus strand). Cytogenetic location: 9p13.3.
Variant type: Duplication.
Molecular consequence: non-coding transcript variant (on NR_003051.4).
Genome position: GRCh38 VCF-style: chr9-35657920-G-GC. GRCh37 (hg19) VCF-style: chr9-35657917-G-GC.
Identifiers: ClinVar variation 2764477 (VCV002764477.3), dbSNP rs2490601644, ClinGen allele CA2689879397.